The following is an entry in ClinVar:

ClinVar aggregate classification (germline): Likely pathogenic (1 of 4 stars; one submission).

Conditions:
Spermatogenic failure 39. Identifiers: MedGen C5231438, MONDO:0032845, OMIM 618643.

Submission:

Juno Genomics, Hangzhou Juno Genomics, Inc
Classification: Likely pathogenic for Spermatogenic failure 39. Review status: criteria provided, single submitter. Criteria: ACMG Guidelines, 2015. Collection method: clinical testing. Allele origin: germline.
Comment: Null variant in a gene where loss of function (LOF) is a known mechanism of disease.;Absent from controls (or at extremely low frequency if recessive) in Genome Aggregation Database.

NM_173628.4(DNAH17):c.13059_13062del (p.Val4354fs)

Gene: DNAH17 (dynein axonemal heavy chain 17; minus strand). Cytogenetic location: 17q25.3.
Variant type: Microsatellite.
Coding change: c.13059_13062del on transcript NM_173628.4 (MANE Select); coding-DNA positions 13059 to 13062, 4 bases deleted (TGTC; older notation c.13059_13062delTGTC).
Protein change: p.Val4354fs; shifts the reading frame from valine 4354.
Molecular consequence: frameshift variant.
Genome position (GRCh38, 1-based): chr17:78,425,425-78,425,428, GACA deleted on the plus strand (TGTC on the coding strand, the reverse complement: DNAH17 is on the minus strand); deleting any 4 consecutive bases within chr17:78,425,425-78,425,436 gives the same sequence; the c. name uses the placement nearest the transcript's 3' end. VCF-style (leftmost placement, unchanged base first): chr17-78425424-CGACA-C. GRCh37 (hg19) VCF-style: chr17-76421505-CGACA-C.
Other names: short protein forms V4354fs.
Identifiers: ClinVar variation 5005835 (VCV005005835.2).